The following is an entry in ClinVar:

ClinVar aggregate classification (germline): Uncertain significance. Review status: criteria provided, multiple submitters, no conflicts (2 of 4 stars). 2 submissions from 2 submitters: Uncertain significance (2). Last evaluated 2025-08-24.

Conditions:
Nephronophthisis. Also called: Juvenile Nephronophthisis. Identifiers: Orphanet 655, MedGen C0687120, MONDO:0019005, HP:0000090.
Inborn genetic diseases. Identifiers: MedGen C0950123, MeSH D030342.

Submissions (2):

Ambry Genetics
Classification: Uncertain significance for Inborn genetic diseases. Last evaluated: 2025-08-24. Review status: criteria provided, single submitter. Criteria: Ambry Variant Classification Scheme 2023. Collection method: clinical testing. Allele origin: germline.

Labcorp Genetics (formerly Invitae), Labcorp
Classification: Uncertain significance for Nephronophthisis. Last evaluated: 2022-07-15. Review status: criteria provided, single submitter. Criteria: Invitae Variant Classification Sherloc (09022015). Collection method: clinical testing. Allele origin: germline.
Comment: In summary, the available evidence is currently insufficient to determine the role of this variant in disease. Therefore, it has been classified as a Variant of Uncertain Significance. Algorithms developed to predict the effect of missense changes on protein structure and function (SIFT, PolyPhen-2, Align-GVGD) all suggest that this variant is likely to be tolerated. This variant has not been reported in the literature in individuals affected with NPHP1-related conditions. This variant is not present in population databases (gnomAD no frequency). This sequence change replaces arginine, which is basic and polar, with lysine, which is basic and polar, at codon 532 of the NPHP1 protein (p.Arg532Lys).

NM_001128178.3(NPHP1):c.1427G>A (p.Arg476Lys)

Gene: NPHP1 (nephrocystin 1; minus strand). Cytogenetic location: 2q13.
Variant type: single nucleotide variant.
Coding change: c.1427G>A on transcript NM_001128178.3 (MANE Select); coding-DNA position 1427, G replaced by A.
Protein change: p.Arg476Lys; replaces arginine 476 with lysine.
Molecular consequence: missense variant.
Genome position (GRCh38, 1-based): chr2:110,144,495, C>T on the plus strand (G>A on the coding strand, the complement: NPHP1 is on the minus strand). VCF-style: chr2-110144495-C-T. GRCh37 (hg19) VCF-style: chr2-110902072-C-T.
Other names: c.1595G>A, p.Arg532Lys (NM_000272.5); c.1238G>A, p.Arg413Lys (NM_001128179.3); c.1424G>A, p.Arg475Lys (NM_001374256.1); c.1427G>A, p.Arg476Lys (NM_001374257.1); c.1592G>A, p.Arg531Lys (NM_207181.4); c.1595G>A (NM_000272.3); short protein forms R413K, R475K, R476K, R531K, R532K.
Identifiers: ClinVar variation 2420420 (VCV002420420.7), dbSNP rs2467238720, ClinGen allele CA348087428.